The following is an entry in ClinVar:

NM_022168.4(IFIH1):c.1976A>C (p.Asp659Ala)

Gene: IFIH1 (interferon induced with helicase C domain 1; minus strand). Cytogenetic location: 2q24.2.
Variant type: single nucleotide variant.
Coding change: c.1976A>C on transcript NM_022168.4 (MANE Select); coding-DNA position 1976, A replaced by C.
Protein change: p.Asp659Ala; replaces aspartic acid 659 with alanine.
Molecular consequence: missense variant.
Genome position (GRCh38, 1-based): chr2:162,277,483, T>G on the plus strand (A>C on the coding strand, the complement: IFIH1 is on the minus strand). VCF-style: chr2-162277483-T-G. GRCh37 (hg19) VCF-style: chr2-163133993-T-G.
Other names: short protein forms D659A.
Identifiers: ClinVar variation 1466475 (VCV001466475.6), dbSNP rs2105197504, ClinGen allele CA348998741.
Genomic context (GRCh38, chr2:162,277,483, plus strand): 5'-AAAGTCATGAGAAATCTATCTGTTTCATCCAGTTTCAAAGGTTTCTTTAAATCATCCTCA[T>G]CTTCATCACCATCACAATACTCATCATCACCACCCTCATCACTATCATCTTCTATGACTG-3'
Protein context (NP_071451.2, residues 649-669): GDDEYCDGDE[Asp659Ala]EDDLKKPLKL

ClinVar aggregate classification (germline): Uncertain significance (1 of 4 stars; one submission).

Conditions:
Singleton-Merten syndrome 1 (SGMRT1). Also called: Syndrome of widened medullary cavities of the metacarpals and phalanges, aortic calcification and abnormal dentition; Widened medullary cavities of bone, aortic calcification, abnormal dentition, and muscular weakness. Identifiers: Orphanet 85191, MedGen C4225427, MONDO:0024535, OMIM 182250.
Aicardi-Goutieres syndrome 7 (AGS7). Identifiers: Orphanet 51, MedGen C3888244, MONDO:0014367, OMIM 615846.

Submission:

Labcorp Genetics (formerly Invitae), Labcorp
Classification: Uncertain significance for Aicardi-Goutieres syndrome 7; Singleton-Merten syndrome 1. Last evaluated: 2025-08-21. Review status: criteria provided, single submitter. Criteria: Invitae Variant Classification Sherloc (09022015). Collection method: clinical testing. Allele origin: germline.
Comment: This sequence change replaces aspartic acid, which is acidic and polar, with alanine, which is neutral and non-polar, at codon 659 of the IFIH1 protein (p.Asp659Ala). This variant is not present in population databases (gnomAD no frequency). This variant has not been reported in the literature in individuals affected with IFIH1-related conditions. ClinVar contains an entry for this variant (Variation ID: 1466475). An algorithm developed to predict the effect of missense changes on protein structure and function outputs the following: PolyPhen-2: "Benign". The alanine amino acid residue is found in multiple mammalian species, which suggests that this missense change does not adversely affect protein function. In summary, the available evidence is currently insufficient to determine the role of this variant in disease. Therefore, it has been classified as a Variant of Uncertain Significance.